The following is an entry in ClinVar:

NM_001805.4(CEBPE):c.404G>A (p.Arg135Gln)

Gene: CEBPE (CCAAT enhancer binding protein epsilon; minus strand). Cytogenetic location: 14q11.2.
Variant type: single nucleotide variant.
Coding change: c.404G>A on transcript NM_001805.4 (MANE Select); coding-DNA position 404, G replaced by A.
Protein change: p.Arg135Gln; replaces arginine 135 with glutamine.
Molecular consequence: missense variant.
Genome position (GRCh38, 1-based): chr14:23,118,688, C>T on the plus strand (G>A on the coding strand, the complement: CEBPE is on the minus strand). VCF-style: chr14-23118688-C-T. GRCh37 (hg19) VCF-style: chr14-23587897-C-T.
Other names: c.404G>A (NM_001805.2); short protein forms R135Q.
Identifiers: ClinVar variation 650956 (VCV000650956.10), dbSNP rs374190826, ClinGen allele CA7111220.

ClinVar aggregate classification (germline): Uncertain significance. Review status: criteria provided, multiple submitters, no conflicts (2 of 4 stars). 2 submissions from 2 submitters: Uncertain significance (2). Last evaluated 2025-04-13.

Conditions:
Inborn genetic diseases. Identifiers: MedGen C0950123, MeSH D030342.
Specific granule deficiency. Identifiers: Orphanet 169142, MedGen C0398593, MONDO:0009506.

Allele frequency attached by ClinVar (database versions not stated): gnomAD 0.00004; ESP Exome Variant Server 0.00008; TOPMed 0.00004; gnomAD exomes 0.00003; ExAC 0.00003.
gnomAD v4.1: 40 of 1,613,042 alleles (0.0025%); highest among the groups gnomAD compares: Middle Eastern, 0.016%; no homozygotes.

Submissions (2):

Ambry Genetics
Classification: Uncertain significance for Inborn genetic diseases. Last evaluated: 2025-04-13. Review status: criteria provided, single submitter. Criteria: Ambry Variant Classification Scheme 2023. Collection method: clinical testing. Allele origin: germline.

Labcorp Genetics (formerly Invitae), Labcorp
Classification: Uncertain significance for Specific granule deficiency. Last evaluated: 2024-10-27. Review status: criteria provided, single submitter. Criteria: Invitae Variant Classification Sherloc (09022015). Collection method: clinical testing. Allele origin: germline.
Comment: This sequence change replaces arginine, which is basic and polar, with glutamine, which is neutral and polar, at codon 135 of the CEBPE protein (p.Arg135Gln). This variant is present in population databases (rs374190826, gnomAD 0.005%). This variant has not been reported in the literature in individuals affected with CEBPE-related conditions. ClinVar contains an entry for this variant (Variation ID: 650956). An algorithm developed to predict the effect of missense changes on protein structure and function (PolyPhen-2) suggests that this variant¬†is likely to be tolerated. In summary, the available evidence is currently insufficient to determine the role of this variant in disease. Therefore, it has been classified as a Variant of Uncertain Significance.